The following is an entry in ClinVar:

ClinVar aggregate classification (germline): Uncertain significance. Review status: criteria provided, multiple submitters, no conflicts (2 of 4 stars). 2 submissions from 2 submitters: Uncertain significance (2). Last evaluated 2025-05-12.

Conditions:
Inborn genetic diseases. Identifiers: MedGen C0950123, MeSH D030342.

Allele frequency attached by ClinVar (database versions not stated): gnomAD exomes below 0.00001 and 0.00001; gnomAD 0.00001; TOPMed 0.00002.
gnomAD v4.1: 26 of 1,613,870 alleles (0.0016%); highest among the groups gnomAD compares: Middle Eastern, 0.033%; no homozygotes.

Submissions (2):

Labcorp Genetics (formerly Invitae), Labcorp
Classification: Uncertain significance. Last evaluated: 2025-05-12. Review status: criteria provided, single submitter. Criteria: Invitae Variant Classification Sherloc (09022015). Collection method: clinical testing. Allele origin: germline.
Comment: This sequence change replaces methionine, which is neutral and non-polar, with valine, which is neutral and non-polar, at codon 466 of the CACNA1D protein (p.Met466Val). This variant is present in population databases (rs775811351, gnomAD no frequency). This variant has not been reported in the literature in individuals affected with CACNA1D-related conditions. ClinVar contains an entry for this variant (Variation ID: 1368643). Invitae Evidence Modeling of protein sequence and biophysical properties (such as structural, functional, and spatial information, amino acid conservation, physicochemical variation, residue mobility, and thermodynamic stability) indicates that this missense variant is not expected to disrupt CACNA1D protein function with a negative predictive value of 80%. In summary, the available evidence is currently insufficient to determine the role of this variant in disease. Therefore, it has been classified as a Variant of Uncertain Significance.

Ambry Genetics
Classification: Uncertain significance for Inborn genetic diseases. Last evaluated: 2024-05-10. Review status: criteria provided, single submitter. Criteria: Ambry Variant Classification Scheme 2023. Collection method: clinical testing. Allele origin: germline.

NM_001128840.3(CACNA1D):c.1396A>G (p.Met466Val)

Gene: CACNA1D (calcium voltage-gated channel subunit alpha1 D; plus strand). Cytogenetic location: 3p21.1.
Variant type: single nucleotide variant.
Coding change: c.1396A>G on transcript NM_001128840.3 (MANE Select); coding-DNA position 1396, A replaced by G.
Protein change: p.Met466Val; replaces methionine 466 with valine.
Molecular consequence: missense variant.
Genome position (GRCh38, 1-based): chr3:53,718,306, A>G. VCF-style: chr3-53718306-A-G. GRCh37 (hg19) VCF-style: chr3-53752333-A-G.
Other names: c.1396A>G, p.Met466Val (NM_000720.4, NM_001128839.3); c.1396A>G (NM_000720.2); short protein forms M466V.
Identifiers: ClinVar variation 1368643 (VCV001368643.9), dbSNP rs775811351, ClinGen allele CA74844628.